The following is an entry in ClinVar:

ClinVar aggregate classification (germline): Uncertain significance (1 of 4 stars; one submission).

Conditions:
Cardiovascular phenotype. Identifiers: MedGen CN230736.

Submission:

Ambry Genetics
Classification: Uncertain significance for Cardiovascular phenotype. Last evaluated: 2026-03-17. Review status: criteria provided, single submitter. Criteria: Ambry Variant Classification Scheme 2023. Collection method: clinical testing. Allele origin: germline.
Comment: The p.L2592* variant (also known as c.7775T>G), located in coding exon 51 of the RYR2 gene, results from a T to G substitution at nucleotide position 7775. This changes the amino acid from a leucine to a stop codon within coding exon 51. This variant is expected to result in protein truncation or nonsense-mediated mRNA decay. However, loss of function has not been established as a mechanism of disease. Based on the available evidence, the clinical significance of this variant remains unclear.

NM_001035.3(RYR2):c.7775T>G (p.Leu2592Ter)

Gene: RYR2 (ryanodine receptor 2; plus strand). Cytogenetic location: 1q43.
Variant type: single nucleotide variant.
Coding change: c.7775T>G on transcript NM_001035.3 (MANE Select); coding-DNA position 7775, T replaced by G.
Protein change: p.Leu2592Ter; replaces leucine 2592 with a stop codon.
Molecular consequence: nonsense.
Genome position (GRCh38, 1-based): chr1:237,651,452, T>G. VCF-style: chr1-237651452-T-G. GRCh37 (hg19) VCF-style: chr1-237814752-T-G.
Other names: short protein forms L2592*.
Identifiers: ClinVar variation 4863700 (VCV004863700.1).
Genomic context (GRCh38, chr1:237,651,452, plus strand): 5'-ATTAGCTTTGTTCCAACAGACAACTGAGACCTTCTATGATGCAGCACTTACTCAGAAGAT[T>G]AGTATTTGATGTTCCATTATTAAATGAACACGCAAAGATGCCTCTTAAAGTAAGTATAGG-3'